The following is an entry in ClinVar:

ClinVar aggregate classification (germline): Benign (1 of 4 stars; one submission).

Conditions:
Glycogen storage disease, type II (IOPD). Also called: Pompe Disease; CARDIOMEGALIA GLYCOGENICA DIFFUSA; GLYCOGENOSIS, GENERALIZED, CARDIAC FORM; GSD II; POMPE DISEASE, INFANTILE-ONSET; GLYCOGEN STORAGE DISEASE II, INFANTILE-ONSET. Identifiers: Orphanet 365, MedGen C0017921, MONDO:0009290, OMIM 232300.

gnomAD v4.1: 2,771 of 1,052,982 alleles (0.26%); highest among the groups gnomAD compares: African/African-American, 3.7%; 54 homozygotes.

Submission:

Genomenon, Inc
Classification: Benign for Glycogen storage disease, type II. Last evaluated: 2026-07-01. Review status: criteria provided, single submitter. Criteria: Genomenon Sequence Variant Interpretation Standards - Updated. Collection method: curation. Allele origin: germline. Affected: no.
Comment: GAA c.2482-132C>T is an intronic variant located in intron 17. This variant is present at high allele frequency in population databases. We classify GAA c.2482-132C>T as a benign variant.

NM_000152.5(GAA):c.2482-132C>T

Gene: GAA (alpha glucosidase; plus strand). Cytogenetic location: 17q25.3.
Variant type: single nucleotide variant.
Coding change: c.2482-132C>T on transcript NM_000152.5 (MANE Select); 132 bases into the intron before coding-DNA position 2482, C replaced by T.
Molecular consequence: intron variant.
Genome position (GRCh38, 1-based): chr17:80,118,061, C>T. VCF-style: chr17-80118061-C-T. GRCh37 (hg19) VCF-style: chr17-78091860-C-T.
Other names: c.2482-132C>T (NM_001406741.1, NM_001406742.1, NM_001079803.3 and 1 more transcripts).
Identifiers: ClinVar variation 4876389 (VCV004876389.1).